The following is an entry in ClinVar:

ClinVar aggregate classification (germline): Uncertain significance (1 of 4 stars; one submission).

Allele frequency attached by ClinVar (database versions not stated): TOPMed below 0.00001.

Submission:

Labcorp Genetics (formerly Invitae), Labcorp
Classification: Uncertain significance. Last evaluated: 2024-04-05. Review status: criteria provided, single submitter. Criteria: Invitae Variant Classification Sherloc (09022015). Collection method: clinical testing. Allele origin: germline.
Comment: This sequence change replaces arginine, which is basic and polar, with glycine, which is neutral and non-polar, at codon 1115 of the COL2A1 protein (p.Arg1115Gly). This variant is not present in population databases (gnomAD no frequency). This variant has not been reported in the literature in individuals affected with COL2A1-related conditions. ClinVar contains an entry for this variant (Variation ID: 1997907). Advanced modeling of protein sequence and biophysical properties (such as structural, functional, and spatial information, amino acid conservation, physicochemical variation, residue mobility, and thermodynamic stability) performed at Invitae indicates that this missense variant is expected to disrupt COL2A1 protein function with a positive predictive value of 80%. In summary, the available evidence is currently insufficient to determine the role of this variant in disease. Therefore, it has been classified as a Variant of Uncertain Significance.

NM_001844.5(COL2A1):c.3343A>G (p.Arg1115Gly)

Gene: COL2A1 (collagen type II alpha 1 chain; minus strand). Cytogenetic location: 12q13.11.
Variant type: single nucleotide variant.
Coding change: c.3343A>G on transcript NM_001844.5 (MANE Select); coding-DNA position 3343, A replaced by G.
Protein change: p.Arg1115Gly; replaces arginine 1115 with glycine.
Molecular consequence: missense variant.
Genome position (GRCh38, 1-based): chr12:47,976,904, T>C on the plus strand (A>G on the coding strand, the complement: COL2A1 is on the minus strand). VCF-style: chr12-47976904-T-C. GRCh37 (hg19) VCF-style: chr12-48370687-T-C.
Other names: c.3136A>G, p.Arg1046Gly (NM_033150.3); short protein forms R1046G, R1115G.
Identifiers: ClinVar variation 1997907 (VCV001997907.4), dbSNP rs1938736236, ClinGen allele CA384539134.